The following is an entry in ClinVar:

ClinVar aggregate classification (germline): Uncertain significance (1 of 4 stars; one submission).

Submission:

Labcorp Genetics (formerly Invitae), Labcorp
Classification: Uncertain significance. Last evaluated: 2025-11-22. Review status: criteria provided, single submitter. Criteria: Invitae Variant Classification Sherloc (09022015). Collection method: clinical testing. Allele origin: germline.
Comment: This sequence change replaces asparagine, which is neutral and polar, with lysine, which is basic and polar, at codon 1468 of the C3 protein (p.Asn1468Lys). This variant is not present in population databases (gnomAD no frequency). This variant has not been reported in the literature in individuals affected with C3-related conditions. Invitae Evidence Modeling of protein sequence and biophysical properties (such as structural, functional, and spatial information, amino acid conservation, physicochemical variation, residue mobility, and thermodynamic stability) indicates that this missense variant is not expected to disrupt C3 protein function with a negative predictive value of 80%. In summary, the available evidence is currently insufficient to determine the role of this variant in disease. Therefore, it has been classified as a Variant of Uncertain Significance.

NM_000064.4(C3):c.4404T>G (p.Asn1468Lys)

Gene: C3 (complement C3; minus strand). Cytogenetic location: 19p13.3.
Variant type: single nucleotide variant.
Coding change: c.4404T>G on transcript NM_000064.4 (MANE Select); coding-DNA position 4404, T replaced by G.
Protein change: p.Asn1468Lys; replaces asparagine 1468 with lysine.
Molecular consequence: missense variant.
Genome position (GRCh38, 1-based): chr19:6,680,210, A>C on the plus strand (T>G on the coding strand, the complement: C3 is on the minus strand). VCF-style: chr19-6680210-A-C. GRCh37 (hg19) VCF-style: chr19-6680221-A-C.
Other names: short protein forms N1468K.
Identifiers: ClinVar variation 4745523 (VCV004745523.1).